The following is an entry in ClinVar:

ClinVar aggregate classification (germline): Pathogenic (1 of 4 stars; one submission).

Submission:

Labcorp Genetics (formerly Invitae), Labcorp
Classification: Pathogenic. Last evaluated: 2024-12-05. Review status: criteria provided, single submitter. Criteria: Invitae Variant Classification Sherloc (09022015). Collection method: clinical testing. Allele origin: germline.
Comment: This sequence change creates a premature translational stop signal (p.Leu1813*) in the ABCA4 gene. It is expected to result in an absent or disrupted protein product. Loss-of-function variants in ABCA4 are known to be pathogenic (PMID: 10958761, 24938718, 25312043, 26780318). This variant is not present in population databases (gnomAD no frequency). This variant has not been reported in the literature in individuals affected with ABCA4-related conditions. Algorithms developed to predict the effect of sequence changes on RNA splicing suggest that this variant may disrupt the consensus splice site. For these reasons, this variant has been classified as Pathogenic.

Literature cited by the submitters: PubMed 10958761; PubMed 24938718; PubMed 25312043; PubMed 26780318.

NM_000350.3(ABCA4):c.5438T>A (p.Leu1813Ter)

Gene: ABCA4 (ATP binding cassette subfamily A member 4; minus strand). Cytogenetic location: 1p22.1.
Variant type: single nucleotide variant.
Coding change: c.5438T>A on transcript NM_000350.3 (MANE Select); coding-DNA position 5438, T replaced by A.
Protein change: p.Leu1813Ter; replaces leucine 1813 with a stop codon.
Molecular consequence: nonsense.
Genome position (GRCh38, 1-based): chr1:94,014,565, A>T on the plus strand (T>A on the coding strand, the complement: ABCA4 is on the minus strand). VCF-style: chr1-94014565-A-T. GRCh37 (hg19) VCF-style: chr1-94480121-A-T.
Other names: c.5216T>A, p.Leu1739Ter (NM_001425324.1); short protein forms L1739*, L1813*.
Identifiers: ClinVar variation 3726723 (VCV003726723.2).
Genomic context (GRCh38, chr1:94,014,565, plus strand): 5'-TACTAATCAAACAAAAAAGCCAAGAAAGTTATGCTCACCCGGTTATTCTCAAATAATTCC[A>T]AGATGAAGGTAATAGCACTGCTGTTGATGCCGATGAACAGATTAGCACAAGATAAAGCCA-3'